The following is an entry in ClinVar:

ClinVar aggregate classification (germline): Uncertain significance (1 of 4 stars; one submission).

Submission:

Labcorp Genetics (formerly Invitae), Labcorp
Classification: Uncertain significance. Last evaluated: 2022-07-06. Review status: criteria provided, single submitter. Criteria: Invitae Variant Classification Sherloc (09022015). Collection method: clinical testing. Allele origin: germline.
Comment: This variant has not been reported in the literature in individuals affected with DTHD1-related conditions. This variant is not present in population databases (gnomAD no frequency). This sequence change replaces phenylalanine, which is neutral and non-polar, with isoleucine, which is neutral and non-polar, at codon 256 of the DTHD1 protein (p.Phe256Ile). In summary, the available evidence is currently insufficient to determine the role of this variant in disease. Therefore, it has been classified as a Variant of Uncertain Significance. Algorithms developed to predict the effect of missense changes on protein structure and function (SIFT, PolyPhen-2, Align-GVGD) all suggest that this variant is likely to be tolerated.

NM_001170700.3(DTHD1):c.1636T>A (p.Phe546Ile)

Gene: DTHD1 (death domain containing 1; plus strand). Cytogenetic location: 4p14.
Variant type: single nucleotide variant.
Coding change: c.1636T>A on transcript NM_001170700.3 (MANE Select); coding-DNA position 1636, T replaced by A.
Protein change: p.Phe546Ile; replaces phenylalanine 546 with isoleucine.
Molecular consequence: missense variant. On other transcripts: non-coding transcript variant (2).
Genome position (GRCh38, 1-based): chr4:36,295,032, T>A. VCF-style: chr4-36295032-T-A. GRCh37 (hg19) VCF-style: chr4-36296654-T-A.
Other names: c.766T>A, p.Phe256Ile (NM_001136536.5); c.703T>A, p.Phe235Ile (NM_001378435.1); short protein forms F256I, F546I, F235I.
Identifiers: ClinVar variation 2081086 (VCV002081086.4), dbSNP rs2529732059, ClinGen allele CA356680238.
Genomic context (GRCh38, chr4:36,295,032, plus strand): 5'-TCTGAGATAGATCATAAAAGAAGAGCAAGTGCCACAATAAATAGGATTACACCTTCGTAT[T>A]TCAACCGGTGAGTAAGTTTCTAATATTGTAAACTGGCTTAATGTCAAACAAAGAAGCTTA-3'
Protein context (NP_001164171.2, residues 536-556): ATINRITPSY[Phe546Ile]NRTKIASIRK